The following is an entry in ClinVar:

ClinVar aggregate classification (germline): Uncertain significance (1 of 4 stars; one submission).

Submission:

Ambry Genetics
Classification: Uncertain significance. Last evaluated: 2026-07-20. Review status: criteria provided, single submitter. Criteria: Ambry Variant Classification Scheme 2023. Collection method: clinical testing. Allele origin: germline.
Comment: The c.1420A>G (p.S474G) alteration is located in exon 1 (coding exon 1) of the PCDHB2 gene. This alteration results from a A to G substitution at nucleotide position 1420, causing the serine (S) at amino acid position 474 to be replaced by a glycine (G). Based on data from gnomAD, the G allele has an overall frequency of <0.001% (1/250942) total alleles studied. The highest observed frequency was 0.005% (1/18390) of East Asian alleles. Based on insufficient or conflicting evidence, the clinical significance of this alteration remains unclear.

NM_018936.4(PCDHB2):c.1420A>G (p.Ser474Gly)

Genes: PCDHB2 (protocadherin beta 2; plus strand), PCDHB@ (protocadherin beta cluster; plus strand). Cytogenetic location: 5q31.3.
Variant type: single nucleotide variant.
Coding change: c.1420A>G on transcript NM_018936.4 (MANE Select); coding-DNA position 1420, A replaced by G.
Protein change: p.Ser474Gly; replaces serine 474 with glycine.
Molecular consequence: missense variant.
Genome position (GRCh38, 1-based): chr5:141,096,210, A>G. VCF-style: chr5-141096210-A-G. GRCh37 (hg19) VCF-style: chr5-140475794-A-G.
Other names: short protein forms S474G.
Identifiers: ClinVar variation 5026345 (VCV005026345.1).